The following is an entry in ClinVar:

ClinVar aggregate classification (germline): Uncertain significance. Review status: criteria provided, multiple submitters, no conflicts (2 of 4 stars). 2 submissions from 2 submitters: Uncertain significance (2). Last evaluated 2025-03-03.

Conditions:
Frontotemporal dementia and/or amyotrophic lateral sclerosis 4. Also called: FTDALS4. Identifiers: Orphanet 275872, MedGen C4225325, MONDO:0014641, OMIM 616439.

gnomAD v4.1: 3 of 1,566,134 alleles (0.00019%); highest among the groups gnomAD compares: South Asian, 0.0012%; no homozygotes.

Submissions (2):

Labcorp Genetics (formerly Invitae), Labcorp
Classification: Uncertain significance for Frontotemporal dementia and/or amyotrophic lateral sclerosis 4. Last evaluated: 2025-03-03. Review status: criteria provided, single submitter. Criteria: Invitae Variant Classification Sherloc (09022015). Collection method: clinical testing. Allele origin: germline.
Comment: This sequence change replaces threonine, which is neutral and polar, with arginine, which is basic and polar, at codon 79 of the TBK1 protein (p.Thr79Arg). This variant is not present in population databases (gnomAD no frequency). This variant has not been reported in the literature in individuals affected with TBK1-related conditions. ClinVar contains an entry for this variant (Variation ID: 2724779). Invitae Evidence Modeling of protein sequence and biophysical properties (such as structural, functional, and spatial information, amino acid conservation, physicochemical variation, residue mobility, and thermodynamic stability) indicates that this missense variant is not expected to disrupt TBK1 protein function with a negative predictive value of 95%. In summary, the available evidence is currently insufficient to determine the role of this variant in disease. Therefore, it has been classified as a Variant of Uncertain Significance.

Blueprint Genetics
Classification: Uncertain significance. Last evaluated: 2024-06-06. Review status: criteria provided, single submitter. Criteria: ACMG Guidelines, 2015. Collection method: clinical testing. Allele origin: germline.

NM_013254.4(TBK1):c.236C>G (p.Thr79Arg)

Gene: TBK1 (TANK binding kinase 1; plus strand). Cytogenetic location: 12q14.2.
Variant type: single nucleotide variant.
Coding change: c.236C>G on transcript NM_013254.4 (MANE Select); coding-DNA position 236, C replaced by G.
Protein change: p.Thr79Arg; replaces threonine 79 with arginine.
Molecular consequence: missense variant.
Genome position (GRCh38, 1-based): chr12:64,464,341, C>G. VCF-style: chr12-64464341-C-G. GRCh37 (hg19) VCF-style: chr12-64858121-C-G.
Other names: short protein forms T79R.
Identifiers: ClinVar variation 2724779 (VCV002724779.4), dbSNP rs1311776680, ClinGen allele CA385595335.